The following is an entry in ClinVar:

NM_006904.7(PRKDC):c.3395A>T (p.Asp1132Val)

Gene: PRKDC (protein kinase, DNA-activated, catalytic subunit; minus strand). Cytogenetic location: 8q11.21.
Variant type: single nucleotide variant.
Coding change: c.3395A>T on transcript NM_006904.7 (MANE Select); coding-DNA position 3395, A replaced by T.
Protein change: p.Asp1132Val; replaces aspartic acid 1132 with valine.
Molecular consequence: missense variant.
Genome position (GRCh38, 1-based): chr8:47,898,539, T>A on the plus strand (A>T on the coding strand, the complement: PRKDC is on the minus strand). VCF-style: chr8-47898539-T-A. GRCh37 (hg19) VCF-style: chr8-48811099-T-A.
Other names: c.3395A>T, p.Asp1132Val (NM_001081640.2); short protein forms D1132V.
Identifiers: ClinVar variation 3425296 (VCV003425296.1).
Genomic context (GRCh38, chr8:47,898,539, plus strand): 5'-CGTCGTTTCTTTGCTTTATTTAAAGAAACATGCTTCTTTTCAATGATGCGGCATAGGTGA[T>A]CAATGGCATCACAACACTGTTGAATTGTACCTGTTCTCAAGTACAGAGACATATTTCCAA-3'
Protein context (NP_008835.5, residues 1122-1142): GTIQQCCDAI[Asp1132Val]HLCRIIEKKH

ClinVar aggregate classification (germline): Uncertain significance (1 of 4 stars; one submission).

Submission:

Ambry Genetics
Classification: Uncertain significance. Last evaluated: 2024-08-12. Review status: criteria provided, single submitter. Criteria: Ambry Variant Classification Scheme 2023. Collection method: clinical testing. Allele origin: germline.
Comment: The p.D1132V variant (also known as c.3395A>T), located in coding exon 29 of the PRKDC gene, results from an A to T substitution at nucleotide position 3395. The aspartic acid at codon 1132 is replaced by valine, an amino acid with highly dissimilar properties. This amino acid position is conserved. In addition, the in silico prediction for this alteration is inconclusive. Based on the available evidence, the clinical significance of this variant remains unclear.